The following is an entry in ClinVar:

NM_001267727.2(ARSG):c.1276G>T (p.Glu426Ter)

Gene: ARSG (arylsulfatase G; plus strand). Cytogenetic location: 17q24.2.
Variant type: single nucleotide variant.
Coding change: c.1276G>T on transcript NM_001267727.2 (MANE Select); coding-DNA position 1276, G replaced by T.
Protein change: p.Glu426Ter; replaces glutamic acid 426 with a stop codon.
Molecular consequence: nonsense.
Genome position (GRCh38, 1-based): chr17:68,401,423, G>T. VCF-style: chr17-68401423-G-T. GRCh37 (hg19) VCF-style: chr17-66397564-G-T.
Other names: c.1276G>T, p.Glu426Ter (NM_001352899.2, NM_001352900.2, NM_001352901.2 and 3 more transcripts); c.1273G>T, p.Glu425Ter (NM_001352903.2, NM_001352904.2, NM_001352905.2 and 2 more transcripts); c.1228G>T, p.Glu410Ter (NM_001352909.2); short protein forms E425*, E426*, E410*.
Identifiers: ClinVar variation 2010220 (VCV002010220.4), dbSNP rs2509619909, ClinGen allele CA400748457.

ClinVar aggregate classification (germline): Pathogenic (1 of 4 stars; one submission).

Allele frequency attached by ClinVar (database versions not stated): gnomAD exomes below 0.00001.
gnomAD v4.1: 1 of 1,614,052 alleles (0.000062%); highest among the groups gnomAD compares: Admixed American, 0.0017%; no homozygotes.

Submission:

Labcorp Genetics (formerly Invitae), Labcorp
Classification: Pathogenic. Last evaluated: 2024-04-17. Review status: criteria provided, single submitter. Criteria: Invitae Variant Classification Sherloc (09022015). Collection method: clinical testing. Allele origin: germline.
Comment: This sequence change creates a premature translational stop signal (p.Glu426*) in the ARSG gene. While this is not anticipated to result in nonsense mediated decay, it is expected to disrupt the last 100 amino acid(s) of the ARSG protein. This variant is not present in population databases (gnomAD no frequency). This variant has not been reported in the literature in individuals affected with ARSG-related conditions. ClinVar contains an entry for this variant (Variation ID: 2010220). This variant disrupts a region of the ARSG protein in which other variant(s) (p.Ser443Alafs*12) have been determined to be pathogenic (PMID: 33300174). This suggests that this is a clinically significant region of the protein, and that variants that disrupt it are likely to be disease-causing. For these reasons, this variant has been classified as Pathogenic.

Literature cited by the submitters: PubMed 33300174.